The following is an entry in ClinVar:

ClinVar aggregate classification (germline): Uncertain significance (1 of 4 stars; one submission).

Allele frequency attached by ClinVar (database versions not stated): gnomAD 0.00001.
gnomAD v4.1: 2 of 1,613,804 alleles (0.00012%); highest among the groups gnomAD compares: Admixed American, 0.0017%; no homozygotes.

Submission:

Labcorp Genetics (formerly Invitae), Labcorp
Classification: Uncertain significance. Last evaluated: 2022-05-28. Review status: criteria provided, single submitter. Criteria: Invitae Variant Classification Sherloc (09022015). Collection method: clinical testing. Allele origin: germline.
Comment: This sequence change replaces leucine, which is neutral and non-polar, with valine, which is neutral and non-polar, at codon 367 of the KIF23 protein (p.Leu367Val). This variant is present in population databases (no rsID available, gnomAD 0.01%). This variant has not been reported in the literature in individuals affected with KIF23-related conditions. Algorithms developed to predict the effect of missense changes on protein structure and function (SIFT, PolyPhen-2, Align-GVGD) all suggest that this variant is likely to be disruptive. In summary, the available evidence is currently insufficient to determine the role of this variant in disease. Therefore, it has been classified as a Variant of Uncertain Significance.

NM_001367805.3(KIF23):c.1141C>G (p.Leu381Val)

Gene: KIF23 (kinesin family member 23; plus strand). Cytogenetic location: 15q23.
Variant type: single nucleotide variant.
Coding change: c.1141C>G on transcript NM_001367805.3 (MANE Select); coding-DNA position 1141, C replaced by G.
Protein change: p.Leu381Val; replaces leucine 381 with valine.
Molecular consequence: missense variant. On other transcripts: non-coding transcript variant (2).
Genome position (GRCh38, 1-based): chr15:69,435,509, C>G. VCF-style: chr15-69435509-C-G. GRCh37 (hg19) VCF-style: chr15-69727848-C-G.
Other names: c.769C>G, p.Leu257Val (NM_001281301.2); c.1099C>G, p.Leu367Val (NM_001367804.2, NM_004856.7, NM_138555.4); short protein forms L381V, L257V, L367V.
Identifiers: ClinVar variation 1945846 (VCV001945846.5), dbSNP rs1291454857, ClinGen allele CA393006647.
Genomic context (GRCh38, chr15:69,435,509, plus strand): 5'-TCTGAAATGGCGTCTATGTATTTTTTTCTGTCAGGTAATATTAATCAGTCACTAATGACG[C>G]TAAGAACATGTATGGATGTCCTAAGAGAGAACCAAATGTATGGAACTAACAAGGTAAGCA-3'
Protein context (NP_001354734.1, residues 371-391): AGNINQSLMT[Leu381Val]RTCMDVLREN